The following is an entry in ClinVar:

ClinVar aggregate classification (germline): Benign. Review status: criteria provided, multiple submitters, no conflicts (2 of 4 stars). 8 submissions from 4 submitters: Benign (8). Last evaluated 2021-12-05.

Conditions:
Developmental and epileptic encephalopathy 98. Identifiers: MedGen C5562017, MONDO:0030472, OMIM 619605.
Fetal akinesia, respiratory insufficiency, microcephaly, polymicrogyria, and dysmorphic facies. Identifiers: MedGen C5562015, MONDO:0859204, OMIM 619602.
Alternating hemiplegia of childhood 1 (AHC1). Identifiers: Orphanet 2131, MedGen C3549447, MONDO:0007087, OMIM 104290.
Migraine, familial hemiplegic, 2. Identifiers: Orphanet 569, MedGen C1865322, MONDO:0011232, OMIM 602481.

Allele frequency attached by ClinVar (database versions not stated): gnomAD exomes 0.14489; 1000 Genomes Project 0.21246; 1000 Genomes Project 30x 0.21377; TOPMed 0.21597; gnomAD 0.21623 and 0.21637.

Submissions (8):

Genome-Nilou Lab
Classification: Benign for Alternating hemiplegia of childhood 1. Last evaluated: 2021-12-05. Review status: criteria provided, single submitter. Criteria: ACMG Guidelines, 2015. Collection method: clinical testing. Allele origin: germline. Affected: no.

Genome-Nilou Lab
Classification: Benign for Developmental and epileptic encephalopathy 98. Last evaluated: 2021-12-05. Review status: criteria provided, single submitter. Criteria: ACMG Guidelines, 2015. Collection method: clinical testing. Allele origin: germline. Affected: no.

Genome-Nilou Lab
Classification: Benign for Fetal akinesia, respiratory insufficiency, microcephaly, polymicrogyria, and dysmorphic facies. Last evaluated: 2021-12-05. Review status: criteria provided, single submitter. Criteria: ACMG Guidelines, 2015. Collection method: clinical testing. Allele origin: germline. Affected: no.

Genome-Nilou Lab
Classification: Benign for Migraine, familial hemiplegic, 2. Last evaluated: 2021-12-05. Review status: criteria provided, single submitter. Criteria: ACMG Guidelines, 2015. Collection method: clinical testing. Allele origin: germline. Affected: no.

GeneDx
Classification: Benign. Last evaluated: 2021-05-10. Review status: criteria provided, single submitter. Criteria: GeneDx Variant Classification Process June 2021. Collection method: clinical testing. Allele origin: germline. Affected: yes.

Illumina Laboratory Services, Illumina
Classification: Benign for Alternating hemiplegia of childhood 1. Last evaluated: 2018-01-13. Review status: criteria provided, single submitter. Criteria: ICSL Variant Classification Criteria 13 December 2019. Collection method: clinical testing. Allele origin: germline.
Comment: This variant was observed in the ICSL laboratory as part of a predisposition screen in an ostensibly healthy population. It had not been previously curated by ICSL or reported in the Human Gene Mutation Database (HGMD: prior to June 1st, 2018), and was therefore a candidate for classification through an automated scoring system. Utilizing variant allele frequency, disease prevalence and penetrance estimates, and inheritance mode, an automated score was calculated to assess if this variant is too frequent to cause the disease. Based on the score and internal cut-off values, a variant classified as benign is not then subjected to further curation. The score for this variant resulted in a classification of benign for this disease.

Illumina Laboratory Services, Illumina
Classification: Benign for Migraine, familial hemiplegic, 2. Last evaluated: 2018-01-13. Review status: criteria provided, single submitter. Criteria: ICSL Variant Classification Criteria 13 December 2019. Collection method: clinical testing. Allele origin: germline.
Comment: the same text as in the submission from Illumina Laboratory Services, Illumina above.

Breakthrough Genomics
Classification: Benign. Review status: criteria provided, single submitter. Criteria: ACMG Guidelines, 2015. Collection method: not provided. Allele origin: germline. Inheritance: Autosomal recessive inheritance. Affected: yes.

NM_000702.4(ATP1A2):c.*748C>T

Gene: ATP1A2 (ATPase Na+/K+ transporting subunit alpha 2; plus strand). Cytogenetic location: 1q23.2.
Variant type: single nucleotide variant.
Coding change: c.*748C>T on transcript NM_000702.4 (MANE Select); 748 bases downstream of the stop codon, C replaced by T.
Molecular consequence: 3 prime UTR variant.
Genome position (GRCh38, 1-based): chr1:160,142,070, C>T. VCF-style: chr1-160142070-C-T. GRCh37 (hg19) VCF-style: chr1-160111860-C-T.
Identifiers: ClinVar variation 293154 (VCV000293154.9), dbSNP rs2070703, ClinGen allele CA10607937.